The following is an entry in ClinVar:

ClinVar aggregate classification (germline): Pathogenic. Review status: criteria provided, multiple submitters, no conflicts (2 of 4 stars). 2 submissions from 2 submitters: Pathogenic (2). Last evaluated 2020-11-13.

Conditions:
Breast-ovarian cancer, familial, susceptibility to, 1 (BROVCA1). Also called: OVARIAN CANCER, SUSCEPTIBILITY TO; BRCA1 Hereditary Breast and Ovarian Cancer. Identifiers: Orphanet 145, MedGen C2676676, MONDO:0011450, OMIM 604370. Disease mechanism: loss of function.
Hereditary breast ovarian cancer syndrome. Also called: Hereditary breast and ovarian cancer; Hereditary breast and/or ovarian cancer syndrome; Breast and ovarian cancer; BRCA1- and BRCA2-Associated Hereditary Breast and Ovarian Cancer; Hereditary breast and ovarian cancer syndrome (HBOC); Hereditary breast and ovarian cancer syndrome. Identifiers: Orphanet 145, MedGen C0677776, MeSH D061325, MONDO:0003582. Disease mechanism: loss of function.

Submissions (2):

Labcorp Genetics (formerly Invitae), Labcorp
Classification: Pathogenic for Hereditary breast ovarian cancer syndrome. Last evaluated: 2020-11-13. Review status: criteria provided, single submitter. Criteria: Invitae Variant Classification Sherloc (09022015). Collection method: clinical testing. Allele origin: germline.
Comment: This sequence change creates a premature translational stop signal (p.Ser454Valfs*21) in the BRCA1 gene. It is expected to result in an absent or disrupted protein product. Loss-of-function variants in BRCA1 are known to be pathogenic (PMID: 20104584). This variant is not present in population databases (ExAC no frequency). This variant has not been reported in the literature in individuals with BRCA1-related conditions. Algorithms developed to predict the effect of sequence changes on RNA splicing suggest that this variant may create or strengthen a splice site, but this prediction has not been confirmed by published transcriptional studies. For these reasons, this variant has been classified as Pathogenic.

Molecular Endocrinology Laboratory, Christian Medical College
Classification: Pathogenic for Breast-ovarian cancer, familial, susceptibility to, 1. Review status: criteria provided, single submitter. Criteria: ACMG Guidelines, 2015. Collection method: clinical testing. Allele origin: germline. Affected: yes.

Literature cited by the submitters: PubMed 20104584 (cited by Labcorp Genetics (formerly Invitae), Labcorp).

NM_007294.4(BRCA1):c.1360del (p.Ser454fs)

Gene: BRCA1 (BRCA1 DNA repair associated; minus strand). Cytogenetic location: 17q21.31.
Variant type: Deletion.
Coding change: c.1360del on transcript NM_007294.4 (MANE Select); coding-DNA position 1360, one base deleted (A; older notation c.1360delA).
Protein change: p.Ser454fs; shifts the reading frame from serine 454.
Molecular consequence: frameshift variant. On other transcripts: intron variant (137).
Genome position (GRCh38, 1-based): chr17:43,094,171, T deleted on the plus strand (A on the coding strand, the reverse complement: BRCA1 is on the minus strand). VCF-style (leftmost placement, unchanged base first): chr17-43094170-CT-C. GRCh37 (hg19) VCF-style: chr17-41246187-CT-C.
Other names: c.1147del, p.Ser383fs (NM_001407916.1, NM_001407917.1, NM_001407918.1 and 9 more transcripts); c.1237del, p.Ser413fs (NM_001407919.1, NM_001407937.1, NM_001407938.1 and 19 more transcripts); c.1096del, p.Ser366fs (NM_001407920.1, NM_001407921.1, NM_001407922.1 and 9 more transcripts); c.1093del, p.Ser365fs (NM_001407930.1, NM_001407931.1, NM_001407932.1 and 2 more transcripts); c.1234del, p.Ser412fs (NM_001407940.1, NM_001407941.1, NM_001407649.1 and 11 more transcripts); c.1219del, p.Ser407fs (NM_001407942.1, NM_001407944.1, NM_001407945.1 and 29 more transcripts); c.1216del, p.Ser406fs (NM_001407943.1, NM_001407964.1, NM_001407740.1 and 20 more transcripts); c.1027del, p.Ser343fs (NM_001407946.1, NM_001407947.1, NM_001407948.1 and 6 more transcripts); and 40 more; short protein forms S407fs, S454fs, S158fs, S286fs, S326fs, S365fs, S386fs, S387fs.
Identifiers: ClinVar variation 1315516 (VCV001315516.8), dbSNP rs2154453207, ClinGen allele CA2573054446.